The following is an entry in ClinVar:

NM_001848.3(COL6A1):c.1433G>A (p.Arg478Gln)

Gene: COL6A1 (collagen type VI alpha 1 chain; plus strand). Cytogenetic location: 21q22.3.
Variant type: single nucleotide variant.
Coding change: c.1433G>A on transcript NM_001848.3 (MANE Select); coding-DNA position 1433, G replaced by A.
Protein change: p.Arg478Gln; replaces arginine 478 with glutamine.
Molecular consequence: missense variant.
Genome position (GRCh38, 1-based): chr21:45,997,455, G>A. VCF-style: chr21-45997455-G-A. GRCh37 (hg19) VCF-style: chr21-47417369-G-A.
Other names: short protein forms R478Q.
Identifiers: ClinVar variation 1676899 (VCV001676899.6), dbSNP rs776914710, ClinGen allele CA10070300.
Genomic context (GRCh38, chr21:45,997,455, plus strand): 5'-AACGTGCCATATCCATCTCTCTACAGGGCGAGGCTGGCCCTATCGGACCTAAAGGCTACC[G>A]AGGCGATGAGGGTCCCCCAGGGTCCGAGGTGAGTCCCACTCCCCACCCACACCCGCCCAC-3'
Protein context (NP_001839.2, residues 468-488): EAGPIGPKGY[Arg478Gln]GDEGPPGSEG

ClinVar aggregate classification (germline): Conflicting classifications of pathogenicity. Review status: criteria provided, conflicting classifications (1 of 4 stars). 3 submissions from 3 submitters: Uncertain significance (2); Benign (1). Last evaluated 2023-12-22.

Conditions:
Bethlem myopathy 1A. Also called: Bethlem Muscular Dystrophy; MYOPATHY, BENIGN CONGENITAL, WITH CONTRACTURES; Bethlem myopathy 1. Identifiers: Orphanet 610, MedGen CN029274, MONDO:0024530, OMIM 158810.
Inborn genetic diseases. Identifiers: MedGen C0950123, MeSH D030342.

Allele frequency attached by ClinVar (database versions not stated): gnomAD 0.00001; ExAC 0.00003; TOPMed 0.00003; gnomAD exomes 0.00004.
gnomAD v4.1: 14 of 1,612,702 alleles (0.00087%); highest among the groups gnomAD compares: East Asian, 0.013%; no homozygotes.

Submissions (3):

Ambry Genetics
Classification: Uncertain significance for Inborn genetic diseases. Last evaluated: 2023-12-22. Review status: criteria provided, single submitter. Criteria: Ambry Variant Classification Scheme 2023. Collection method: clinical testing. Allele origin: germline.

Labcorp Genetics (formerly Invitae), Labcorp
Classification: Benign for Bethlem myopathy 1A. Last evaluated: 2023-12-10. Review status: criteria provided, single submitter. Criteria: Invitae Variant Classification Sherloc (09022015). Collection method: clinical testing. Allele origin: germline.

GeneDx
Classification: Uncertain significance. Last evaluated: 2021-10-12. Review status: criteria provided, single submitter. Criteria: GeneDx Variant Classification Process June 2021. Collection method: clinical testing. Allele origin: germline. Affected: yes.
Comment: In silico analysis supports that this missense variant does not alter protein structure/function; Has not been previously published as pathogenic or benign to our knowledge